The following is an entry in ClinVar:

NM_001267550.2(TTN):c.88312C>G (p.Pro29438Ala)

Genes: TTN (titin; minus strand), TTN-AS1 (TTN antisense RNA 1; plus strand). Cytogenetic location: 2q31.2.
Variant type: single nucleotide variant.
Coding change: c.88312C>G on transcript NM_001267550.2 (MANE Select); coding-DNA position 88312, C replaced by G.
Protein change: p.Pro29438Ala; replaces proline 29438 with alanine.
Molecular consequence: missense variant.
Genome position (GRCh38, 1-based): chr2:178,555,147, G>C on the plus strand (C>G on the coding strand, the complement: TTN is on the minus strand). VCF-style: chr2-178555147-G-C. GRCh37 (hg19) VCF-style: chr2-179419874-G-C.
Other names: c.83389C>G, p.Pro27797Ala (NM_001256850.1); c.61117C>G, p.Pro20373Ala (NM_003319.4); c.80608C>G, p.Pro26870Ala (NM_133378.4); c.61492C>G, p.Pro20498Ala (NM_133432.3); c.61693C>G, p.Pro20565Ala (NM_133437.4); short protein forms P20373A, P20498A, P20565A, P26870A, P27797A, P29438A.
Identifiers: ClinVar variation 3389880 (VCV003389880.14).
Genomic context (GRCh38, chr2:178,555,147, plus strand): 5'-CAGATGTACCTGCTCTGTATTTGACAACTTCTGTATATTCTAGAGGCAAATCAATTACAG[G>C]ACCACCTGCAAGAAAAACAGATGAGAAATATTTAAAATATTATAAGGATGGAAAAAAAAA-3'
Protein context (NP_001254479.2, residues 29428-29448): PITCIDSYGG[Pro29438Ala]VIDLPLEYTE

ClinVar aggregate classification (germline): Uncertain significance (1 of 4 stars; one submission).

Submission:

CeGaT Center for Human Genetics Tuebingen
Classification: Uncertain significance. Last evaluated: 2024-10-01. Review status: criteria provided, single submitter. Criteria: CeGaT Center For Human Genetics Tuebingen Variant Classification Criteria Version 2. Collection method: clinical testing. Allele origin: germline. Affected: yes. Observed: 1 variant allele.
Comment: TTN: PM2